The following is an entry in ClinVar:

NM_004006.3(DMD):c.5368A>G (p.Ile1790Val)

Gene: DMD (dystrophin; minus strand). Cytogenetic location: Xp21.1.
Variant type: single nucleotide variant.
Coding change: c.5368A>G on transcript NM_004006.3 (MANE Select); coding-DNA position 5368, A replaced by G.
Protein change: p.Ile1790Val; replaces isoleucine 1790 with valine.
Molecular consequence: missense variant.
Genome position (GRCh38, 1-based): chrX:32,348,486, T>C on the plus strand (A>G on the coding strand, the complement: DMD is on the minus strand). VCF-style: chrX-32348486-T-C. GRCh37 (hg19) VCF-style: chrX-32366603-T-C.
Other names: c.5368A>G (NM_004006.2); c.5344A>G, p.Ile1782Val (NM_000109.4); c.5356A>G, p.Ile1786Val (NM_004009.3); c.4999A>G, p.Ile1667Val (NM_004010.3); c.1345A>G, p.Ile449Val (NM_004011.4); c.1336A>G, p.Ile446Val (NM_004012.4); short protein forms I1790V, I1786V, I449V, I1667V, I1782V, I446V.
Identifiers: ClinVar variation 288396 (VCV000288396.15), dbSNP rs886043883, ClinGen allele CA10606073.

ClinVar aggregate classification (germline): Uncertain significance. Review status: criteria provided, multiple submitters, no conflicts (2 of 4 stars). 3 submissions from 3 submitters: Uncertain significance (3). Last evaluated 2021-06-30.

Conditions:
Duchenne muscular dystrophy (DMD). Also called: Duchenne Muscular Dystrophy (DMD); MUSCULAR DYSTROPHY, PSEUDOHYPERTROPHIC PROGRESSIVE, DUCHENNE TYPE. Identifiers: Orphanet 98896, MedGen C0013264, MONDO:0010679, OMIM 310200.

Allele frequency attached by ClinVar (database versions not stated): gnomAD 0.00001; TOPMed 0.00001.
gnomAD v4.1: 1 of 1,205,197 alleles (0.000083%); highest among the groups gnomAD compares: Non-Finnish European, 0.00011%; no homozygotes.

Submissions (3):

Labcorp Genetics (formerly Invitae), Labcorp
Classification: Uncertain significance for Duchenne muscular dystrophy. Last evaluated: 2021-06-30. Review status: criteria provided, single submitter. Criteria: Invitae Variant Classification Sherloc (09022015). Collection method: clinical testing. Allele origin: germline.
Comment: This sequence change replaces isoleucine with valine at codon 1790 of the DMD protein (p.Ile1790Val). The isoleucine residue is highly conserved and there is a small physicochemical difference between isoleucine and valine. This variant is not present in population databases (ExAC no frequency). This variant has not been reported in the literature in individuals with DMD-related conditions. ClinVar contains an entry for this variant (Variation ID: 288396). Algorithms developed to predict the effect of missense changes on protein structure and function (SIFT, PolyPhen-2, Align-GVGD) all suggest that this variant is likely to be tolerated, but these predictions have not been confirmed by published functional studies and their clinical significance is uncertain. In summary, the available evidence is currently insufficient to determine the role of this variant in disease. Therefore, it has been classified as a Variant of Uncertain Significance.

Revvity Omics, Revvity
Classification: Uncertain significance. Last evaluated: 2019-06-18. Review status: criteria provided, single submitter. Criteria: ACMG Guidelines, 2015. Collection method: clinical testing. Allele origin: germline.

Eurofins Ntd Llc (ga)
Classification: Uncertain significance. Last evaluated: 2016-05-31. Review status: criteria provided, single submitter. Criteria: EGL Classification Definitions 2015. Collection method: clinical testing. Allele origin: germline. Observed: 1 variant allele, 1 hemizygote.